The following is an entry in ClinVar:

NM_001048174.2(MUTYH):c.1537G>A (p.Ala513Thr)

Gene: MUTYH (mutY DNA glycosylase; minus strand). Cytogenetic location: 1p34.1.
Variant type: single nucleotide variant.
Coding change: c.1537G>A on transcript NM_001048174.2 (MANE Select); coding-DNA position 1537, G replaced by A.
Protein change: p.Ala513Thr; replaces alanine 513 with threonine.
Molecular consequence: missense variant. On other transcripts: non-coding transcript variant (2).
Genome position (GRCh38, 1-based): chr1:45,329,335, C>T on the plus strand (G>A on the coding strand, the complement: MUTYH is on the minus strand). VCF-style: chr1-45329335-C-T. GRCh37 (hg19) VCF-style: chr1-45795007-C-T.
Other names: c.1537G>A, p.Ala513Thr (NM_001407072.1, NM_001407073.1, NM_001407081.1 and 6 more transcripts); c.1453G>A, p.Ala485Thr (NM_001407075.1); c.1570G>A, p.Ala524Thr (NM_001407077.1, NM_001293191.2, NM_001407069.1); c.1540G>A, p.Ala514Thr (NM_001407078.1, NM_001048172.2, NM_001407071.1 and 1 more transcripts); c.1498G>A, p.Ala500Thr (NM_001407079.1); c.1495G>A, p.Ala499Thr (NM_001407080.1); c.1192G>A, p.Ala398Thr (NM_001407082.1, NM_001350650.2, NM_001350651.2); c.1579G>A, p.Ala527Thr (NM_001407083.1, NM_001407085.1); and 5 more; short protein forms A398T, A485T, A421T, A520T, A538T, A528T, A541T, A499T.
Identifiers: ClinVar variation 1776621 (VCV001776621.6), dbSNP rs2149087688, ClinGen allele CA340131564.

ClinVar aggregate classification (germline): Conflicting classifications of pathogenicity. Review status: criteria provided, conflicting classifications (1 of 4 stars). 2 submissions from 2 submitters: Uncertain significance (1); Benign (1). Last evaluated 2025-09-09.

Conditions:
Hereditary cancer-predisposing syndrome. Also called: Tumor predisposition; Neoplastic Syndromes, Hereditary; Hereditary Cancer Syndrome; Hereditary neoplastic syndrome. Identifiers: Orphanet 140162, MedGen C0027672, MeSH D009386, MONDO:0015356.
Familial adenomatous polyposis 2. Also called: MYH-associated polyposis; Adenomas, multiple colorectal; COLORECTAL ADENOMATOUS POLYPOSIS, AUTOSOMAL RECESSIVE; ADENOMAS, MULTIPLE COLORECTAL, AUTOSOMAL RECESSIVE; MUTYH Polyposis; FAP type 2. Identifiers: Orphanet 220460, Orphanet 247798, MedGen C3272841, MONDO:0012041, OMIM 608456.

Allele frequency attached by ClinVar (database versions not stated): gnomAD exomes below 0.00001.
gnomAD v4.1: 1 of 1,614,198 alleles (0.000062%); highest among the groups gnomAD compares: South Asian, 0.0011%; no homozygotes.

Submissions (2):

Ambry Genetics
Classification: Benign for Hereditary cancer-predisposing syndrome. Last evaluated: 2025-09-09. Review status: criteria provided, single submitter. Criteria: Ambry Variant Classification Scheme 2023. Collection method: clinical testing. Allele origin: germline.

Labcorp Genetics (formerly Invitae), Labcorp
Classification: Uncertain significance for Familial adenomatous polyposis 2. Last evaluated: 2023-10-09. Review status: criteria provided, single submitter. Criteria: Invitae Variant Classification Sherloc (09022015). Collection method: clinical testing. Allele origin: germline.
Comment: This sequence change replaces alanine, which is neutral and non-polar, with threonine, which is neutral and polar, at codon 541 of the MUTYH protein (p.Ala541Thr). This variant is not present in population databases (gnomAD no frequency). This variant has not been reported in the literature in individuals affected with MUTYH-related conditions. ClinVar contains an entry for this variant (Variation ID: 1776621). Algorithms developed to predict the effect of missense changes on protein structure and function output the following: SIFT: "Not Available"; PolyPhen-2: "Benign"; Align-GVGD: "Not Available". The threonine amino acid residue is found in multiple mammalian species, which suggests that this missense change does not adversely affect protein function. In summary, the available evidence is currently insufficient to determine the role of this variant in disease. Therefore, it has been classified as a Variant of Uncertain Significance.